The following is an entry in ClinVar:

ClinVar aggregate classification (germline): Uncertain significance (1 of 4 stars; one submission).

Conditions:
Microcephaly, normal intelligence and immunodeficiency (NBS). Also called: BERLIN BREAKAGE SYNDROME; Immunodeficiency, microcephaly with normal intelligence; SEEMANOVA SYNDROME II; Nijmegen breakage syndrome; Microcephaly with normal intelligence immunodeficiency and lymphoreticular malignancies; Nonsyndromal microcephaly autosomal recessive with normal intelligence. Identifiers: Orphanet 647, MedGen C0398791, MONDO:0009623, OMIM 251260.

Allele frequency attached by ClinVar (database versions not stated): gnomAD 0.00001; TOPMed 0.00001; ESP Exome Variant Server 0.00008.

Submission:

Labcorp Genetics (formerly Invitae), Labcorp
Classification: Uncertain significance for Microcephaly, normal intelligence and immunodeficiency. Last evaluated: 2020-08-03. Review status: criteria provided, single submitter. Criteria: Invitae Variant Classification Sherloc (09022015). Collection method: clinical testing. Allele origin: germline.
Comment: In summary, the available evidence is currently insufficient to determine the role of this variant in disease. Therefore, it has been classified as a Variant of Uncertain Significance. Algorithms developed to predict the effect of missense changes on protein structure and function output the following: SIFT: "Tolerated"; PolyPhen-2: "Benign"; Align-GVGD: "Class C0". The phenylalanine amino acid residue is found in multiple mammalian species, suggesting that this missense change does not adversely affect protein function. These predictions have not been confirmed by published functional studies and their clinical significance is uncertain. This variant has not been reported in the literature in individuals with NBN-related conditions. This variant is not present in population databases (ExAC no frequency). This sequence change replaces serine with phenylalanine at codon 667 of the NBN protein (p.Ser667Phe). The serine residue is weakly conserved and there is a large physicochemical difference between serine and phenylalanine.

NM_002485.5(NBN):c.2000C>T (p.Ser667Phe)

Gene: NBN (nibrin; minus strand). Cytogenetic location: 8q21.3.
Variant type: single nucleotide variant.
Coding change: c.2000C>T on transcript NM_002485.5 (MANE Select); coding-DNA position 2000, C replaced by T.
Protein change: p.Ser667Phe; replaces serine 667 with phenylalanine.
Molecular consequence: missense variant.
Genome position (GRCh38, 1-based): chr8:89,946,210, G>A on the plus strand (C>T on the coding strand, the complement: NBN is on the minus strand). VCF-style: chr8-89946210-G-A. GRCh37 (hg19) VCF-style: chr8-90958438-G-A.
Other names: c.1754C>T, p.Ser585Phe (NM_001024688.3); short protein forms S585F, S667F.
Identifiers: ClinVar variation 1001381 (VCV001001381.8), dbSNP rs374638426, ClinGen allele CA181274796.